The following is an entry in ClinVar:

NM_212550.5(BLOC1S3):c.-1C>T

Gene: BLOC1S3 (biogenesis of lysosomal organelles complex 1 subunit 3; plus strand). Cytogenetic location: 19q13.32.
Variant type: single nucleotide variant.
Coding change: c.-1C>T on transcript NM_212550.5 (MANE Select); 1 bases upstream of the start codon, C replaced by T.
Molecular consequence: 5 prime UTR variant.
Genome position (GRCh38, 1-based): chr19:45,179,296, C>T. VCF-style: chr19-45179296-C-T. GRCh37 (hg19) VCF-style: chr19-45682554-C-T.
Identifiers: ClinVar variation 3032508 (VCV003032508.2), dbSNP rs368641537, ClinGen allele CA9510190.
Genomic context (GRCh38, chr19:45,179,296, plus strand): 5'-TACCCACCGCGGCGCCGGTCTCACGTGCAGTCCCTTCGCTCTTCTCCCCTAGTTCGGTGC[C>T]ATGGCGTCCCAGGGTCGTCGGCGGAGGCCCCTGCGGAGGCCGGAGACGGTGGTGCCGGGG-3'

ClinVar aggregate classification (germline): Likely benign (0 of 4 stars; one submission).

Conditions:
BLOC1S3-related disorder. Also called: BLOC1S3-related condition.

Allele frequency attached by ClinVar (database versions not stated): gnomAD exomes below 0.00001; ExAC 0.00001; gnomAD 0.00001; TOPMed 0.00001; ESP Exome Variant Server 0.00008.
gnomAD v4.1: 3 of 1,578,610 alleles (0.00019%); highest among the groups gnomAD compares: Non-Finnish European, 0.00026%; no homozygotes.

Submission:

PreventionGenetics, part of Exact Sciences
Classification: Likely benign for BLOC1S3-related condition. Last evaluated: 2024-02-29. Review status: no assertion criteria provided. Collection method: clinical testing. Allele origin: germline.
Comment: This variant is classified as likely benign based on ACMG/AMP sequence variant interpretation guidelines (Richards et al. 2015 PMID: 25741868, with internal and published modifications).